The following is an entry in ClinVar:

NM_000535.7(PMS2):c.1169C>T (p.Ala390Val)

Gene: PMS2 (PMS1 homolog 2, mismatch repair system component; minus strand). Cytogenetic location: 7p22.1.
Variant type: single nucleotide variant.
Coding change: c.1169C>T on transcript NM_000535.7 (MANE Select); coding-DNA position 1169, C replaced by T.
Protein change: p.Ala390Val; replaces alanine 390 with valine.
Molecular consequence: missense variant. On other transcripts: non-coding transcript variant (1).
Genome position (GRCh38, 1-based): chr7:5,987,596, G>A on the plus strand (C>T on the coding strand, the complement: PMS2 is on the minus strand). VCF-style: chr7-5987596-G-A. GRCh37 (hg19) VCF-style: chr7-6027227-G-A.
Other names: c.764C>T, p.Ala255Val (NM_001322003.2, NM_001322004.2, NM_001322005.2 and 1 more transcripts); c.1013C>T, p.Ala338Val (NM_001322006.2); c.851C>T, p.Ala284Val (NM_001322007.2, NM_001322008.2); c.608C>T, p.Ala203Val (NM_001322010.2); c.236C>T, p.Ala79Val (NM_001322011.2, NM_001322012.2); c.596C>T, p.Ala199Val (NM_001322013.2); c.1169C>T, p.Ala390Val (NM_001322014.2); c.860C>T, p.Ala287Val (NM_001322015.2); short protein forms A390V, A199V, A338V, A255V, A287V, A79V, A203V, A284V.
Identifiers: ClinVar variation 127754 (VCV000127754.39), dbSNP rs587780039, ClinGen allele CA009271.

ClinVar aggregate classification (germline): Conflicting classifications of pathogenicity. Review status: criteria provided, conflicting classifications (1 of 4 stars). 10 submissions from 10 submitters: Uncertain significance (9); Likely benign (1). Last evaluated 2026-02-17.

Conditions:
PMS2-related disorder. Also called: PMS2-related condition.
Hereditary nonpolyposis colorectal neoplasms. Identifiers: MedGen C0009405, MeSH D003123.
Hereditary cancer-predisposing syndrome. Also called: Neoplastic Syndromes, Hereditary; Tumor predisposition; Hereditary Cancer Syndrome; Hereditary neoplastic syndrome. Identifiers: Orphanet 140162, MedGen C0027672, MeSH D009386, MONDO:0015356.
Lynch syndrome. Identifiers: Orphanet 144, MedGen C4552100, MONDO:0005835. Disease mechanism: loss of function.
Hereditary breast ovarian cancer syndrome. Also called: BRCA1- and BRCA2-Associated Hereditary Breast and Ovarian Cancer; Hereditary breast and ovarian cancer; Hereditary breast and ovarian cancer syndrome; Hereditary breast and ovarian cancer syndrome (HBOC); Breast and ovarian cancer; Hereditary breast and/or ovarian cancer syndrome. Identifiers: Orphanet 145, MedGen C0677776, MeSH D061325, MONDO:0003582. Disease mechanism: loss of function.
Lynch syndrome 4 (LYNCH4). Also called: Colorectal cancer, hereditary nonpolyposis, type 4; Hereditary non-polyposis colorectal cancer, type 4. Identifiers: Orphanet 144, MedGen C1838333, MONDO:0013699, OMIM 614337. Disease mechanism: loss of function.

Allele frequency attached by ClinVar (database versions not stated): gnomAD exomes 0.00002; ExAC 0.00004; TOPMed 0.00004; gnomAD 0.00005 and 0.00006.
gnomAD v4.1: 51 of 1,603,022 alleles (0.0032%); highest among the groups gnomAD compares: East Asian, 0.016%; no homozygotes.

Submissions (10):

Women's Health and Genetics/Laboratory Corporation of America, LabCorp
Classification: Uncertain significance. Last evaluated: 2026-02-17. Review status: criteria provided, single submitter. Criteria: LabCorp Variant Classification Summary - May 2015. Collection method: clinical testing. Allele origin: germline.
Comment: Variant summary: PMS2 c.1169C>T (p.Ala390Val) results in a non-conservative amino acid change in the encoded protein sequence. Algorithms developed to predict the effect of missense changes on protein structure and function are either unavailable or do not agree on the potential impact of this missense change. The variant allele was found at a frequency of 2.4e-05 in 246938 control chromosomes. The available data on variant occurrences in the general population are insufficient to allow any conclusion about variant significance. c.1169C>T has been observed in individuals affected with Lynch Syndrome (e.g. Castellanos_2017) and other cancer phenotypes (Kiyozumi_2019, Salvati_2022, Hu_2022). These report(s) do not provide unequivocal conclusions about association of the variant with Hereditary Nonpolyposis Colorectal Cancer. To our knowledge, no experimental evidence demonstrating an impact on protein function has been reported. The following publications have been ascertained in the context of this evaluation (PMID: 32658311, 28051113, 35449176, 31386297, 36165864). ClinVar contains an entry for this variant (Variation ID: 127754). Based on the evidence outlined above, the variant was classified as uncertain significance.

Labcorp Genetics (formerly Invitae), Labcorp
Classification: Uncertain significance for Hereditary nonpolyposis colorectal neoplasms. Last evaluated: 2026-01-26. Review status: criteria provided, single submitter. Criteria: Invitae Variant Classification Sherloc (09022015). Collection method: clinical testing. Allele origin: germline.
Comment: This sequence change replaces alanine, which is neutral and non-polar, with valine, which is neutral and non-polar, at codon 390 of the PMS2 protein (p.Ala390Val). This variant is present in population databases (rs587780039, gnomAD 0.01%). This missense change has been observed in individual(s) with clinical features of Lynch syndrome (PMID: 28051113, 31386297). ClinVar contains an entry for this variant (Variation ID: 127754). Invitae Evidence Modeling incorporating data from in vitro experimental studies (internal data) indicates that this missense variant is not expected to disrupt PMS2 function with a negative predictive value of 95%. In summary, the available evidence is currently insufficient to determine the role of this variant in disease. Therefore, it has been classified as a Variant of Uncertain Significance.

PreventionGenetics, part of Exact Sciences
Classification: Uncertain significance for PMS2-related condition. Last evaluated: 2025-10-09. Review status: criteria provided, single submitter. Criteria: ACMG Guidelines, 2015. Collection method: clinical testing. Allele origin: germline.
Comment: The PMS2 c.1169C>T variant is predicted to result in the amino acid substitution p.Ala390Val. This variant was reported with uncertain significance in an individual with Lynch syndrome (Supplemental Table 1, Kiyozumi et al. 2019. PubMed ID: 31386297). This variant was also reported, along with variants in other cancer related genes, in an individual with endometrial cancer with a family history of breast, colon, endometrial, and gastric cancers (Sample_R1, Castellanos et al. 2017. PubMed ID: 28051113). This variant is reported in 0.013% of alleles in individuals of African descent in gnomAD and has conflicting interpretations in ClinVar ranging from uncertain significance to likely benign (Variation ID: 127754). At this time, the clinical significance of this variant is uncertain due to the absence of conclusive functional and genetic evidence.

Quest Diagnostics Nichols Institute San Juan Capistrano
Classification: Uncertain significance. Last evaluated: 2025-07-03. Review status: criteria provided, single submitter. Criteria: Quest Diagnostics criteria. Collection method: clinical testing. Allele origin: unknown.
Comment: The PMS2 c.1169C>T (p.Ala390Val) variant has been reported in individuals with breast cancer (PMIDs: 33471991 (2021), 35449176 (2022), 37231433 (2023), see also LOVD) and uterine cancer (PMIDs: 28051113 (2017), 36230473 (2022)). This variant has also been identified in a reportedly unaffected individual (PMID: 33471991 (2021), see also LOVD). The frequency of this variant in the general population (Genome Aggregation Database) is uninformative in the assessment of its pathogenicity. Analysis of this variant using bioinformatics tools for the prediction of the effect of amino acid changes on protein structure and function yielded predictions that this variant is benign. Based on the available information, we are unable to determine the clinical significance of this variant.

GeneDx
Classification: Uncertain significance. Last evaluated: 2024-09-27. Review status: criteria provided, single submitter. Criteria: GeneDx Variant Classification Process June 2021. Collection method: clinical testing. Allele origin: germline. Affected: yes.
Comment: Observed in an individual with endometrial cancer in conjunction with multiple other variants in hereditary cancer genes, in an individual with breast cancer, and in cancer-free elderly control(s) (PMID: 28051113, 35449176, 32658311); In silico analysis indicates that this missense variant does not alter protein structure/function; This variant is associated with the following publications: (PMID: 32566746, 31386297, 32658311, 28051113, 35449176, 36165864)

All of Us Research Program, National Institutes of Health
Classification: Uncertain significance for Lynch syndrome. Last evaluated: 2024-08-13. Review status: criteria provided, single submitter. Criteria: ACMG Guidelines, 2015. Collection method: clinical testing. Allele origin: germline. Inheritance: Autosomal dominant inheritance. Observed: 5 variant alleles, 5 heterozygotes.
Comment: This missense variant replaces alanine with valine at codon 390 of the PMS2 protein. Computational prediction suggests that this variant may not impact protein structure and function (internally defined REVEL score threshold <= 0.5, PMID: 27666373). To our knowledge, functional studies have not been reported for this variant. This variant has been reported in an individual affected with endometrial cancer (PMID: 28051113), breast cancer (PMID: 35449176), and unspecified cancer (PMID: 31386297). This variant has also been reported in an unaffected individual (PMID: 32658311). This variant has been identified in 8/278308 chromosomes in the general population by the Genome Aggregation Database (gnomAD). The available evidence is insufficient to determine the role of this variant in disease conclusively. Therefore, this variant is classified as a Variant of Uncertain Significance.

This study involves interpretation of variants in research participants for the purpose of population health screening. Participant phenotype was not available at the time of variant classification. Additional details can be found in publication PMID: 35346344, PMCID: PMC8962531

Color Diagnostics, LLC DBA Color Health
Classification: Uncertain significance for Hereditary cancer-predisposing syndrome. Last evaluated: 2024-04-11. Review status: criteria provided, single submitter. Criteria: ACMG Guidelines, 2015. Collection method: clinical testing. Allele origin: germline.
Comment: This missense variant replaces alanine with valine at codon 390 of the PMS2 protein. Computational prediction suggests that this variant may not impact protein structure and function (internally defined REVEL score threshold <= 0.5, PMID: 27666373). To our knowledge, functional studies have not been reported for this variant. This variant has been reported in an individual affected with endometrial cancer (PMID: 28051113), breast cancer (PMID: 35449176), and unspecified cancer (PMID: 31386297). This variant has also been reported in an unaffected individual (PMID: 32658311). This variant has been identified in 8/278308 chromosomes in the general population by the Genome Aggregation Database (gnomAD). The available evidence is insufficient to determine the role of this variant in disease conclusively. Therefore, this variant is classified as a Variant of Uncertain Significance.

Baylor Genetics
Classification: Uncertain significance for Lynch syndrome 4. Last evaluated: 2024-02-06. Review status: criteria provided, single submitter. Criteria: ACMG Guidelines, 2015. Collection method: clinical testing. Allele origin: unknown.

Cancer Genomics Group, Japanese Foundation For Cancer Research
Classification: Uncertain significance for Hereditary breast and ovarian cancer syndrome. Last evaluated: 2019-05-01. Review status: criteria provided, single submitter. Criteria: ACMG Guidelines, 2015. Collection method: research. Allele origin: germline. Affected: yes.

Ambry Genetics
Classification: Likely benign for Hereditary cancer-predisposing syndrome. Last evaluated: 2019-04-30. Review status: criteria provided, single submitter. Criteria: Ambry Variant Classification Scheme 2023. Collection method: clinical testing. Allele origin: germline.

Literature cited by the submitters: PubMed 28051113 (cited by 6 submitters); PubMed 31386297 (cited by 5 submitters); PubMed 32658311 (cited by 4 submitters); PubMed 35449176 (cited by 4 submitters); PubMed 36165864 (cited by Women's Health and Genetics/Laboratory Corporation of America, LabCorp); PubMed 33471991 (cited by Quest Diagnostics Nichols Institute San Juan Capistrano); PubMed 36230473 (cited by Quest Diagnostics Nichols Institute San Juan Capistrano); PubMed 31874108 (cited by Quest Diagnostics Nichols Institute San Juan Capistrano); PubMed 37231433 (cited by Quest Diagnostics Nichols Institute San Juan Capistrano).